The following is an entry in ClinVar:

NM_000169.3(GLA):c.1147_1149dup (p.Phe383_Ile384insPhe)

Genes: GLA (galactosidase alpha; minus strand), RPL36A-HNRNPH2 (RPL36A-HNRNPH2 readthrough; plus strand). Cytogenetic location: Xq22.1.
Variant type: Duplication.
Coding change: c.1147_1149dup on transcript NM_000169.3 (MANE Select); coding-DNA positions 1147 to 1149, 3 bases duplicated (TTC; older notation c.1147_1149dupTTC).
Protein change: p.Phe383_Ile384insPhe.
Molecular consequence: inframe insertion. On other transcripts: non-coding transcript variant (3), intron variant (2).
Genome position (GRCh38, 1-based): chrX:101,397,950-101,397,952, GAA duplicated on the plus strand (TTC on the coding strand, the reverse complement: GLA is on the minus strand); duplicating any 3 consecutive bases within chrX:101,397,950-101,397,953 gives the same sequence; the c. name uses the placement nearest the transcript's 3' end. VCF-style (leftmost placement, unchanged base first): chrX-101397949-T-TGAA. GRCh37 (hg19) VCF-style: chrX-100652937-T-TGAA.
Other names: c.1270_1272dup, p.Phe424_Ile425insPhe (NM_001406747.1); c.300+2494_300+2496dup (NM_001199973.2); c.177+6129_177+6131dup (NM_001199974.2).
Identifiers: ClinVar variation 2818685 (VCV002818685.3), dbSNP rs1057519609, ClinGen allele CA2739273650.

ClinVar aggregate classification (germline): Uncertain significance (1 of 4 stars; one submission).

Conditions:
Fabry disease. Also called: Fabry's disease; ALPHA-GALACTOSIDASE A DEFICIENCY; ANDERSON-FABRY DISEASE; CERAMIDE TRIHEXOSIDASE DEFICIENCY; GLA DEFICIENCY; HEREDITARY DYSTOPIC LIPIDOSIS. Identifiers: Orphanet 324, MedGen C0002986, MONDO:0010526, OMIM 301500, HP:0001071. Disease mechanism: Fabry disease is due to inactivating mutations in the X-linked GLA gene resulting in deficiency of the enzyme Alpha Galactosidase-A., loss of function.

Submission:

Labcorp Genetics (formerly Invitae), Labcorp
Classification: Uncertain significance for Fabry disease. Last evaluated: 2022-12-05. Review status: criteria provided, single submitter. Criteria: Invitae Variant Classification Sherloc (09022015). Collection method: clinical testing. Allele origin: germline.
Comment: In summary, the available evidence is currently insufficient to determine the role of this variant in disease. Therefore, it has been classified as a Variant of Uncertain Significance. This variant has not been reported in the literature in individuals affected with GLA-related conditions. This variant is not present in population databases (gnomAD no frequency). This variant, c.1147_1149dup, results in the insertion of 1 amino acid(s) of the GLA protein (p.Phe383dup), but otherwise preserves the integrity of the reading frame.